The following is an entry in ClinVar:

NM_015599.3(PGM3):c.1514G>A (p.Arg505Gln)

Genes: DOP1A (DOP1 leucine zipper like protein A; plus strand), PGM3 (phosphoglucomutase 3; minus strand). Cytogenetic location: 6q14.1.
Variant type: single nucleotide variant.
Coding change: c.1514G>A on transcript NM_015599.3 (MANE Select); coding-DNA position 1514, G replaced by A.
Protein change: p.Arg505Gln; replaces arginine 505 with glutamine.
Molecular consequence: missense variant. On other transcripts: non-coding transcript variant (1).
Genome position (GRCh38, 1-based): chr6:83,170,330, C>T on the plus strand (G>A on the coding strand, the complement: PGM3 is on the minus strand). VCF-style: chr6-83170330-C-T. GRCh37 (hg19) VCF-style: chr6-83880049-C-T.
Other names: c.1598G>A, p.Arg533Gln (NM_001199917.2, NM_001367287.1); c.1271G>A, p.Arg424Gln (NM_001199918.2); c.1514G>A, p.Arg505Gln (NM_001199919.2); c.1391G>A, p.Arg464Gln (NM_001367286.1); short protein forms R505Q, R424Q, R464Q, R533Q.
Identifiers: ClinVar variation 967853 (VCV000967853.9), dbSNP rs772233718, ClinGen allele CA3906499.

ClinVar aggregate classification (germline): Uncertain significance. Review status: criteria provided, multiple submitters, no conflicts (2 of 4 stars). 2 submissions from 2 submitters: Uncertain significance (2). Last evaluated 2024-01-02.

Conditions:
Immunodeficiency 23 (IMD23). Also called: IMMUNODEFICIENCY WITH HYPER IgE AND COGNITIVE IMPAIRMENT; IMMUNODEFICIENCY-VASCULITIS-MYOCLONUS SYNDROME. Identifiers: Orphanet 443811, MedGen C4014371, MONDO:0014353, OMIM 615816.

Allele frequency attached by ClinVar (database versions not stated): TOPMed below 0.00001; ExAC 0.00001; gnomAD exomes 0.00001 and 0.00002.
gnomAD v4.1: 15 of 1,614,154 alleles (0.00093%); highest among the groups gnomAD compares: Non-Finnish European, 0.0013%; no homozygotes.

Submissions (2):

Blueprint Genetics
Classification: Uncertain significance. Last evaluated: 2024-01-02. Review status: criteria provided, single submitter. Criteria: ACMG Guidelines, 2015. Collection method: clinical testing. Allele origin: germline.

Labcorp Genetics (formerly Invitae), Labcorp
Classification: Uncertain significance for Immunodeficiency 23. Last evaluated: 2021-09-01. Review status: criteria provided, single submitter. Criteria: Invitae Variant Classification Sherloc (09022015). Collection method: clinical testing. Allele origin: germline.
Comment: This sequence change replaces arginine with glutamine at codon 533 of the PGM3 protein (p.Arg533Gln). The arginine residue is highly conserved and there is a small physicochemical difference between arginine and glutamine. This variant is present in population databases (rs772233718, ExAC 0.001%). This variant has not been reported in the literature in individuals affected with PGM3-related conditions. Algorithms developed to predict the effect of missense changes on protein structure and function (SIFT, PolyPhen-2, Align-GVGD) all suggest that this variant is likely to be disruptive. In summary, the available evidence is currently insufficient to determine the role of this variant in disease. Therefore, it has been classified as a Variant of Uncertain Significance.